The following is an entry in ClinVar:

NM_024490.4(ATP10A):c.3617C>T (p.Pro1206Leu)

Gene: ATP10A (ATPase phospholipid transporting 10A (putative); minus strand). Cytogenetic location: 15q12.
Variant type: single nucleotide variant.
Coding change: c.3617C>T on transcript NM_024490.4 (MANE Select); coding-DNA position 3617, C replaced by T.
Protein change: p.Pro1206Leu; replaces proline 1206 with leucine.
Molecular consequence: missense variant.
Genome position (GRCh38, 1-based): chr15:25,680,871, G>A on the plus strand (C>T on the coding strand, the complement: ATP10A is on the minus strand). VCF-style: chr15-25680871-G-A. GRCh37 (hg19) VCF-style: chr15-25926018-G-A.
Other names: short protein forms P1206L.
Identifiers: ClinVar variation 387130 (VCV000387130.2), dbSNP rs1057522705, ClinGen allele CA16606902.
Genomic context (GRCh38, chr15:25,680,871, plus strand): 5'-CAGGTTTTGGTTTCAATGCCCAGGTGGAGCAGGAAAGTGAGCAGCGCGATTGTCACAATA[G>A]GGGTCCCCCAGGTAAACAGGTCCACGTTCGAGTCATAGTAGGCCTGAAAGACAGTGGGGT-3'
Protein context (NP_077816.1, residues 1196-1216): SNVDLFTWGT[Pro1206Leu]IVTIALLTFL

ClinVar aggregate classification (germline): Uncertain significance (1 of 4 stars; one submission).

Allele frequency attached by ClinVar (database versions not stated): gnomAD exomes below 0.00001.
gnomAD v4.1: 1 of 1,614,118 alleles (0.000062%); highest among the groups gnomAD compares: Admixed American, 0.0017%; no homozygotes.

Submission:

GeneDx
Classification: Uncertain significance. Last evaluated: 2016-06-21. Review status: criteria provided, single submitter. Criteria: GeneDx Variant Classification (06012015). Collection method: clinical testing. Allele origin: germline. Affected: yes.
Comment: The P1206L variant in the ATP10A gene has not been reported previously as a pathogenic variant, nor as a benign variant, to our knowledge. The P1206L variant was not observed in approximately 6500 individuals of European and African American ancestry in the NHLBI Exome Sequencing Project, indicating it is not a common benign variant in these populations. The P1206L variant is a semi-conservative amino acid substitution, which may impact secondary protein structure as these residues differ in some properties. This substitution occurs at a position that is not conserved across species, an in silico analysis is inconsistent in its predictions as to whether or not the variant is damaging to the protein structure/function. We interpret P1206L as a variant of uncertain significance